The following is an entry in ClinVar:

NM_000784.4(CYP27A1):c.128C>T (p.Ala43Val)

Gene: CYP27A1 (cytochrome P450 family 27 subfamily A member 1; plus strand). Cytogenetic location: 2q35.
Variant type: single nucleotide variant.
Coding change: c.128C>T on transcript NM_000784.4 (MANE Select); coding-DNA position 128, C replaced by T.
Protein change: p.Ala43Val; replaces alanine 43 with valine.
Molecular consequence: missense variant.
Genome position (GRCh38, 1-based): chr2:218,782,310, C>T. VCF-style: chr2-218782310-C-T. GRCh37 (hg19) VCF-style: chr2-219647033-C-T.
Other names: short protein forms A43V.
Identifiers: ClinVar variation 4869575 (VCV004869575.1).

ClinVar aggregate classification (germline): Uncertain significance (1 of 4 stars; one submission).

Conditions:
Cardiovascular phenotype. Identifiers: MedGen CN230736.

gnomAD v4.1: 2 of 1,609,768 alleles (0.00012%); highest among the groups gnomAD compares: Non-Finnish European, 0.00017%; no homozygotes.

Submission:

Ambry Genetics
Classification: Uncertain significance for Cardiovascular phenotype. Last evaluated: 2026-05-14. Review status: criteria provided, single submitter. Criteria: Ambry Variant Classification Scheme 2023. Collection method: clinical testing. Allele origin: germline.
Comment: The p.A43V variant (also known as c.128C>T), located in coding exon 1 of the CYP27A1 gene, results from a C to T substitution at nucleotide position 128. The alanine at codon 43 is replaced by valine, an amino acid with similar properties. This amino acid position is conserved. In addition, this alteration is predicted to be tolerated by in silico analysis. Based on the available evidence, the clinical significance of this variant remains unclear.